The following is an entry in ClinVar:

ClinVar aggregate classification (germline): Benign (1 of 4 stars; one submission).

Conditions:
KCNA6-related condition.

gnomAD v4.1: 25,229 of 1,614,072 alleles (1.6%); highest among the groups gnomAD compares: South Asian, 3.6%; 276 homozygotes.

Submission:

PreventionGenetics, part of Exact Sciences
Classification: Benign for KCNA6-related condition. Last evaluated: 2025-01-10. Review status: criteria provided, single submitter. Criteria: ACMG Guidelines, 2015. Collection method: clinical testing. Allele origin: germline.
Comment: This variant is classified as benign based on ACMG/AMP sequence variant interpretation guidelines (Richards et al. 2015 PMID: 25741868, with internal and published modifications).

NM_002235.5(KCNA6):c.1560T>C (p.Tyr520=)

Genes: KCNA6 (potassium voltage-gated channel subfamily A member 6; plus strand), KCNA6-AS1 (KCNA6 antisense RNA 1; minus strand). Cytogenetic location: 12p13.32.
Variant type: single nucleotide variant.
Coding change: c.1560T>C on transcript NM_002235.5 (MANE Select); coding-DNA position 1560, T replaced by C.
Protein change: p.Tyr520=; no amino-acid change (tyrosine 520 retained).
Molecular consequence: synonymous variant. On other transcripts: non-coding transcript variant (3).
Genome position (GRCh38, 1-based): chr12:4,811,601, T>C. VCF-style: chr12-4811601-T-C. GRCh37 (hg19) VCF-style: chr12-4920767-T-C.
Identifiers: ClinVar variation 4980718 (VCV004980718.1).